The following is an entry in ClinVar:

ClinVar aggregate classification (germline): Uncertain significance. Review status: criteria provided, multiple submitters, no conflicts (2 of 4 stars). 2 submissions from 2 submitters: Uncertain significance (2). Last evaluated 2025-08-27.

Allele frequency attached by ClinVar (database versions not stated): TOPMed below 0.00001; gnomAD exomes 0.00001 and below 0.00001.
gnomAD v4.1: 3 of 1,613,956 alleles (0.00019%); highest among the groups gnomAD compares: Admixed American, 0.0017%; no homozygotes.

Submissions (2):

Dasa
Classification: Uncertain significance. Last evaluated: 2025-08-27. Review status: criteria provided, single submitter. Criteria: DASA Assertion Criteria. Collection method: clinical testing. Allele origin: germline.
Comment: NM_000541.5(SAG):c.580G>A (p.Ala194Thr) is a missense variant that results in the substitution of alanine with threonine. This variant is rare in population databases. Computational prediction algorithms are consistent with a benign effect. The currently available literature and clinical evidence are not sufficient to establish a definitive association between this variant and the reported condition. Therefore, this variant is classified as a variant of uncertain significance.

Labcorp Genetics (formerly Invitae), Labcorp
Classification: Uncertain significance. Last evaluated: 2024-05-07. Review status: criteria provided, single submitter. Criteria: Invitae Variant Classification Sherloc (09022015). Collection method: clinical testing. Allele origin: germline.
Comment: This sequence change replaces alanine, which is neutral and non-polar, with threonine, which is neutral and polar, at codon 194 of the SAG protein (p.Ala194Thr). This variant is present in population databases (no rsID available, gnomAD 0.0009%). This variant has not been reported in the literature in individuals affected with SAG-related conditions. ClinVar contains an entry for this variant (Variation ID: 1446852). Advanced modeling of protein sequence and biophysical properties (such as structural, functional, and spatial information, amino acid conservation, physicochemical variation, residue mobility, and thermodynamic stability) performed at Invitae indicates that this missense variant is not expected to disrupt SAG protein function with a negative predictive value of 80%. In summary, the available evidence is currently insufficient to determine the role of this variant in disease. Therefore, it has been classified as a Variant of Uncertain Significance.

NM_000541.5(SAG):c.580G>A (p.Ala194Thr)

Gene: SAG (S-antigen visual arrestin; plus strand). Cytogenetic location: 2q37.1.
Variant type: single nucleotide variant.
Coding change: c.580G>A on transcript NM_000541.5 (MANE Select); coding-DNA position 580, G replaced by A.
Protein change: p.Ala194Thr; replaces alanine 194 with threonine.
Molecular consequence: missense variant.
Genome position (GRCh38, 1-based): chr2:233,328,545, G>A. VCF-style: chr2-233328545-G-A. GRCh37 (hg19) VCF-style: chr2-234237191-G-A.
Other names: short protein forms A194T.
Identifiers: ClinVar variation 1446852 (VCV001446852.8), dbSNP rs1182354084, ClinGen allele CA351047504.